The following is an entry in ClinVar:

NM_152564.5(VPS13B):c.10082C>A (p.Thr3361Lys)

Gene: VPS13B (vacuolar protein sorting 13 homolog B; plus strand). Cytogenetic location: 8q22.2.
Variant type: single nucleotide variant.
Coding change: c.10082C>A on transcript NM_152564.5 (MANE Select); coding-DNA position 10082, C replaced by A.
Protein change: p.Thr3361Lys; replaces threonine 3361 with lysine.
Molecular consequence: missense variant.
Genome position (GRCh38, 1-based): chr8:99,853,471, C>A. VCF-style: chr8-99853471-C-A. GRCh37 (hg19) VCF-style: chr8-100865699-C-A.
Other names: c.10157C>A, p.Thr3386Lys (NM_017890.5); short protein forms T3361K, T3386K.
Identifiers: ClinVar variation 1037984 (VCV001037984.9), dbSNP rs1219748926, ClinGen allele CA371780746.

ClinVar aggregate classification (germline): Uncertain significance. Review status: criteria provided, single submitter (1 of 4 stars). 2 submissions from 2 submitters: Uncertain significance (1). 1 of the submissions does not count toward it. Last evaluated 2024-01-19.

Conditions:
Cohen syndrome (COH1). Also called: PEPPER SYNDROME; Cutis verticis gyrata, retinitis pigmentosa, and sensorineural deafness. Identifiers: Orphanet 193, MedGen C0265223, MONDO:0008999, OMIM 216550.

Allele frequency attached by ClinVar (database versions not stated): gnomAD exomes below 0.00001; TOPMed 0.00001; gnomAD 0.00003.
gnomAD v4.1: 6 of 1,614,058 alleles (0.00037%); highest among the groups gnomAD compares: African/African-American, 0.004%; no homozygotes.

Submissions (2):

Labcorp Genetics (formerly Invitae), Labcorp
Classification: Uncertain significance for Cohen syndrome. Last evaluated: 2024-01-19. Review status: criteria provided, single submitter. Criteria: Invitae Variant Classification Sherloc (09022015). Collection method: clinical testing. Allele origin: germline.
Comment: This sequence change replaces threonine, which is neutral and polar, with lysine, which is basic and polar, at codon 3386 of the VPS13B protein (p.Thr3386Lys). This variant is present in population databases (no rsID available, gnomAD 0.0009%). This variant has not been reported in the literature in individuals affected with VPS13B-related conditions. ClinVar contains an entry for this variant (Variation ID: 1037984). Advanced modeling of protein sequence and biophysical properties (such as structural, functional, and spatial information, amino acid conservation, physicochemical variation, residue mobility, and thermodynamic stability) performed at Invitae indicates that this missense variant is not expected to disrupt VPS13B protein function with a negative predictive value of 80%. In summary, the available evidence is currently insufficient to determine the role of this variant in disease. Therefore, it has been classified as a Variant of Uncertain Significance.

Natera, Inc.
Classification: Uncertain significance for Cohen syndrome. Last evaluated: 2020-02-14. Review status: no assertion criteria provided. Collection method: clinical testing. Allele origin: germline. Not counted in ClinVar's aggregate classification.